The following is an entry in ClinVar:

ClinVar aggregate classification (germline): Likely benign (1 of 4 stars; one submission).

Allele frequency attached by ClinVar (database versions not stated): gnomAD exomes 0.00036; TOPMed 0.00036; gnomAD 0.00056; 1000 Genomes Project 30x 0.00094; ExAC 0.00096; 1000 Genomes Project 0.00100.
gnomAD v4.1: 615 of 1,596,580 alleles (0.039%); highest among the groups gnomAD compares: South Asian, 0.28%; no homozygotes.

Submissions (2):

CeGaT Center for Human Genetics Tuebingen
Classification: Likely benign. Last evaluated: 2022-06-01. Review status: criteria provided, single submitter. Criteria: CeGaT Center For Human Genetics Tuebingen Variant Classification Criteria Version 2. Collection method: clinical testing. Allele origin: germline. Affected: yes. Observed: 1 variant allele.
Comment: SCNN1D: BP4, BP7

Dr. Peter K. Rogan Lab, Western University
No classification provided (evidence only). Condition: Melanoma. Review status: no classification provided. Collection method: in vitro. Allele origin: not applicable. Functional consequence: retained intron. Not counted in ClinVar's aggregate classification.

NM_001130413.4(SCNN1D):c.1740G>A (p.Ala580=)

Genes: SCNN1D (sodium channel epithelial 1 subunit delta; plus strand), LOC110599576 (CEB15 minisatellite repeat instability region; plus strand). Cytogenetic location: 1p36.33.
Variant type: single nucleotide variant.
Coding change: c.1740G>A on transcript NM_001130413.4 (MANE Select); coding-DNA position 1740, G replaced by A.
Protein change: p.Ala580=; no amino-acid change (alanine 580 retained).
Molecular consequence: synonymous variant. On other transcripts: non-coding transcript variant (1).
Genome position (GRCh38, 1-based): chr1:1,290,348, G>A. VCF-style: chr1-1290348-G-A. GRCh37 (hg19) VCF-style: chr1-1225728-G-A.
Other names: NC_000001.10:g.1225728G>A.
Identifiers: ClinVar variation 2637996 (VCV002637996.25), dbSNP rs202232052, ClinGen allele CA514916.